The following is an entry in ClinVar:

NM_000020.3(ACVRL1):c.376del (p.Val126fs)

Gene: ACVRL1 (activin A receptor like type 1; plus strand). Cytogenetic location: 12q13.13.
Variant type: Deletion.
Coding change: c.376del on transcript NM_000020.3 (MANE Select); coding-DNA position 376, one base deleted (G; older notation c.376delG).
Protein change: p.Val126fs; shifts the reading frame from valine 126.
Molecular consequence: frameshift variant. On other transcripts: intron variant (6).
Genome position (GRCh38, 1-based): chr12:51,913,621, G deleted. VCF-style (leftmost placement, unchanged base first): chr12-51913620-CG-C. GRCh37 (hg19) VCF-style: chr12-52307404-CG-C.
Other names: c.376del, p.Val126fs (NM_001077401.2, NM_001406487.1, NM_001406488.1 and 1 more transcripts); c.313+271del (NM_001406491.1, NM_001406490.1, NM_001406492.1 and 2 more transcripts); c.62-818del (NM_001406495.1); short protein forms V126fs.
Identifiers: ClinVar variation 2764965 (VCV002764965.3), dbSNP rs2540160515, ClinGen allele CA2697559267.

ClinVar aggregate classification (germline): Pathogenic (1 of 4 stars; one submission).

Conditions:
Telangiectasia, hereditary hemorrhagic, type 2 (HHT2). Also called: ACVRL1-Related Hereditary Hemorrhagic Telangiectasia; Telangiectasia, hereditary hemorrhagic, type II. Identifiers: Orphanet 774, MedGen C1838163, MONDO:0010880, OMIM 600376. Disease mechanism: loss of function.

Submission:

Labcorp Genetics (formerly Invitae), Labcorp
Classification: Pathogenic for Telangiectasia, hereditary hemorrhagic, type 2. Last evaluated: 2023-10-04. Review status: criteria provided, single submitter. Criteria: Invitae Variant Classification Sherloc (09022015). Collection method: clinical testing. Allele origin: germline.
Comment: This sequence change creates a premature translational stop signal (p.Val126Cysfs*39) in the ACVRL1 gene. It is expected to result in an absent or disrupted protein product. Loss-of-function variants in ACVRL1 are known to be pathogenic (PMID: 15879500). This variant is not present in population databases (gnomAD no frequency). This variant has not been reported in the literature in individuals affected with ACVRL1-related conditions. For these reasons, this variant has been classified as Pathogenic.

Literature cited by the submitters: PubMed 15879500.